The following is an entry in ClinVar:

NM_001375524.1(TRRAP):c.925A>T (p.Met309Leu)

Gene: TRRAP (transformation/transcription domain associated protein; plus strand). Cytogenetic location: 7q22.1.
Variant type: single nucleotide variant.
Coding change: c.925A>T on transcript NM_001375524.1 (MANE Select); coding-DNA position 925, A replaced by T.
Protein change: p.Met309Leu; replaces methionine 309 with leucine.
Molecular consequence: missense variant.
Genome position (GRCh38, 1-based): chr7:98,903,406, A>T. VCF-style: chr7-98903406-A-T. GRCh37 (hg19) VCF-style: chr7-98501029-A-T.
Other names: c.925A>T, p.Met309Leu (NM_001244580.2, NM_003496.4); short protein forms M309L.
Identifiers: ClinVar variation 2874513 (VCV002874513.3), dbSNP rs138649188, ClinGen allele CA4359399.

ClinVar aggregate classification (germline): Uncertain significance (1 of 4 stars; one submission).

Allele frequency attached by ClinVar (database versions not stated): TOPMed below 0.00001; gnomAD 0.00001; gnomAD exomes 0.00001; ExAC 0.00002; ESP Exome Variant Server 0.00008.
gnomAD v4.1: 13 of 1,614,132 alleles (0.00081%); highest among the groups gnomAD compares: African/African-American, 0.0013%; no homozygotes.

Submission:

Labcorp Genetics (formerly Invitae), Labcorp
Classification: Uncertain significance. Last evaluated: 2023-09-08. Review status: criteria provided, single submitter. Criteria: Invitae Variant Classification Sherloc (09022015). Collection method: clinical testing. Allele origin: germline.
Comment: In summary, the available evidence is currently insufficient to determine the role of this variant in disease. Therefore, it has been classified as a Variant of Uncertain Significance. Advanced modeling of protein sequence and biophysical properties (such as structural, functional, and spatial information, amino acid conservation, physicochemical variation, residue mobility, and thermodynamic stability) performed at Invitae indicates that this missense variant is not expected to disrupt TRRAP protein function. This variant has not been reported in the literature in individuals affected with TRRAP-related conditions. This variant is present in population databases (rs138649188, gnomAD 0.004%). This sequence change replaces methionine, which is neutral and non-polar, with leucine, which is neutral and non-polar, at codon 309 of the TRRAP protein (p.Met309Leu).